The following is an entry in ClinVar:

ClinVar aggregate classification (germline): Uncertain significance. Review status: criteria provided, multiple submitters, no conflicts (2 of 4 stars). 2 submissions from 2 submitters: Uncertain significance (2). Last evaluated 2025-01-15.

Conditions:
Inborn genetic diseases. Identifiers: MedGen C0950123, MeSH D030342.

gnomAD v4.1: 41 of 1,606,082 alleles (0.0026%); highest among the groups gnomAD compares: Non-Finnish European, 0.0035%; no homozygotes.

Submissions (2):

Ambry Genetics
Classification: Uncertain significance for Inborn genetic diseases. Last evaluated: 2025-01-15. Review status: criteria provided, single submitter. Criteria: Ambry Variant Classification Scheme 2023. Collection method: clinical testing. Allele origin: germline.

Women's Health and Genetics/Laboratory Corporation of America, LabCorp
Classification: Uncertain significance. Last evaluated: 2024-11-29. Review status: criteria provided, single submitter. Criteria: LabCorp Variant Classification Summary - May 2015. Collection method: clinical testing. Allele origin: germline.
Comment: Variant summary: FHOD3 c.379C>G (p.Leu127Val) results in a conservative amino acid change located in the Rho GTPase-binding/formin homology 3 (GBD/FH3) domain (IPR014768) of the encoded protein sequence. Three of five in-silico tools predict a damaging effect of the variant on protein function. The variant allele was found at a frequency of 8.2e-06 in 244032 control chromosomes (gnomAD). The available data on variant occurrences in the general population are insufficient to allow any conclusion about variant significance. To our knowledge, no occurrence of c.379C>G in individuals affected with Cardiomyopathy, Familial Hypertrophic, 28 and no experimental evidence demonstrating its impact on protein function have been reported. No submitters have cited clinical-significance assessments for this variant to ClinVar. Based on the evidence outlined above, the variant was classified as uncertain significance.

NM_001281740.3(FHOD3):c.379C>G (p.Leu127Val)

Gene: FHOD3 (formin homology 2 domain containing 3; plus strand). Cytogenetic location: 18q12.2.
Variant type: single nucleotide variant.
Coding change: c.379C>G on transcript NM_001281740.3 (MANE Select); coding-DNA position 379, C replaced by G.
Protein change: p.Leu127Val; replaces leucine 127 with valine.
Molecular consequence: missense variant.
Genome position (GRCh38, 1-based): chr18:36,501,973, C>G. VCF-style: chr18-36501973-C-G. GRCh37 (hg19) VCF-style: chr18-34081936-C-G.
Other names: c.379C>G, p.Leu127Val (NM_001281739.3, NM_025135.5); c.379C>G (NM_025135.2); short protein forms L127V.
Identifiers: ClinVar variation 3629585 (VCV003629585.3).
Genomic context (GRCh38, chr18:36,501,973, plus strand): 5'-GTTTTATTCTTTATTTCAGAAAAACTATACAACTCCAGCGGACGAGATTTGAGAAGGGCC[C>G]TCTTCTCCCTGAAGCAGATATTTCAGGTAAATAGGAAAAAAATAAGTACTTACCTGTTTT-3'
Protein context (NP_001268669.1, residues 117-137): NSSGRDLRRA[Leu127Val]FSLKQIFQDD